The following is an entry in ClinVar:

ClinVar aggregate classification (germline): Uncertain significance (1 of 4 stars; one submission).

Allele frequency attached by ClinVar (database versions not stated): gnomAD exomes below 0.00001; TOPMed below 0.00001.

Submission:

Labcorp Genetics (formerly Invitae), Labcorp
Classification: Uncertain significance. Last evaluated: 2023-12-14. Review status: criteria provided, single submitter. Criteria: Invitae Variant Classification Sherloc (09022015). Collection method: clinical testing. Allele origin: germline.
Comment: This sequence change replaces arginine, which is basic and polar, with histidine, which is basic and polar, at codon 289 of the MAFB protein (p.Arg289His). This variant is present in population databases (no rsID available, gnomAD 0.0009%). This variant has not been reported in the literature in individuals affected with MAFB-related conditions. Advanced modeling of protein sequence and biophysical properties (such as structural, functional, and spatial information, amino acid conservation, physicochemical variation, residue mobility, and thermodynamic stability) performed at Invitae indicates that this missense variant is not expected to disrupt MAFB protein function with a negative predictive value of 80%. In summary, the available evidence is currently insufficient to determine the role of this variant in disease. Therefore, it has been classified as a Variant of Uncertain Significance.

NM_005461.5(MAFB):c.866G>A (p.Arg289His)

Gene: MAFB (MAF bZIP transcription factor B; minus strand). Cytogenetic location: 20q12.
Variant type: single nucleotide variant.
Coding change: c.866G>A on transcript NM_005461.5 (MANE Select); coding-DNA position 866, G replaced by A.
Protein change: p.Arg289His; replaces arginine 289 with histidine.
Molecular consequence: missense variant.
Genome position (GRCh38, 1-based): chr20:40,687,985, C>T on the plus strand (G>A on the coding strand, the complement: MAFB is on the minus strand). VCF-style: chr20-40687985-C-T. GRCh37 (hg19) VCF-style: chr20-39316625-C-T.
Other names: short protein forms R289H.
Identifiers: ClinVar variation 2703289 (VCV002703289.3), dbSNP rs538540900, ClinGen allele CA408940219.
Genomic context (GRCh38, chr20:40,687,985, plus strand): 5'-GCCTCCCTGAAGCCGGAGTTGGCGAGTTTCTCGCACTTGACCTTGTAGGCGTCTCTCTCG[C>T]GGGCCAGCCGGGACACCTCCTGCTTAAGCTGCTCCACCTGCTGAATGAGCTGCGTCTTCT-3'
Protein context (NP_005452.2, residues 279-299): QLKQEVSRLA[Arg289His]ERDAYKVKCE